The following is an entry in ClinVar:

NM_145698.5(ACBD5):c.1204+2_1204+3insGTT

Gene: ACBD5 (acyl-CoA binding domain containing 5; minus strand). Cytogenetic location: 10p12.1.
Variant type: Insertion.
Coding change: c.1204+2_1204+3insGTT on transcript NM_145698.5 (MANE Select); the canonical splice donor site of the intron after coding-DNA position 1204 through 3 bases into the intron after coding-DNA position 1204, GTT inserted.
Molecular consequence: splice donor variant.
Genome position: GRCh38 VCF-style: chr10-27210811-C-CACA. GRCh37 (hg19) VCF-style: chr10-27499740-C-CACA.
Other names: c.1204+2_1204+3insGTT (NM_001352570.1); c.877+2_877+3insGTT (NM_001301253.2, NM_001301251.2, NM_001352583.1 and 2 more transcripts); c.1045+2_1045+3insGTT (NM_001352580.2); c.1099+2_1099+3insGTT (NM_001352577.2, NM_001042473.4, NM_001352578.2 and 1 more transcripts); c.1132+2_1132+3insGTT (NM_001352575.2, NM_001352574.2, NM_001352576.2); c.895+2_895+3insGTT (NM_001352582.2); c.910+2_910+3insGTT (NM_001352585.1); c.1225+2_1225+3insGTT (NM_001352572.1); and 10 more.
Identifiers: ClinVar variation 863444 (VCV000863444.8), dbSNP rs766142684, ClinGen allele CA5450724.

ClinVar aggregate classification (germline): Uncertain significance. Review status: criteria provided, multiple submitters, no conflicts (2 of 4 stars). 2 submissions from 2 submitters: Uncertain significance (2). Last evaluated 2026-05-14.

Conditions:
ACBD5-related disorder. Also called: ACBD5-related condition.

Submissions (2):

PreventionGenetics, part of Exact Sciences
Classification: Uncertain significance for ACBD5-related condition. Last evaluated: 2026-05-14. Review status: criteria provided, single submitter. Criteria: ACMG Guidelines, 2015. Collection method: clinical testing. Allele origin: germline.
Comment: The ACBD5 c.1204+2_1204+3insTGT variant is predicted to result in an in-frame amino acid insertion (Intronic). This variant is predicted to impact splicing based on a computational splicing prediction program; however, the impact of this variant has not been functionally validated (Jaganathan et al. 2019. PubMed ID: 30661751). To our knowledge, this variant has not been reported in the literature. This variant is reported in 0.017% of alleles in individuals of Latino descent in gnomAD. At this time, the clinical significance of this variant is uncertain due to the absence of conclusive functional and genetic evidence.

Labcorp Genetics (formerly Invitae), Labcorp
Classification: Uncertain significance. Last evaluated: 2024-10-25. Review status: criteria provided, single submitter. Criteria: Invitae Variant Classification Sherloc (09022015). Collection method: clinical testing. Allele origin: germline.
Comment: This sequence change falls in intron 9 of the ACBD5 gene. It does not directly change the encoded amino acid sequence of the ACBD5 protein. It affects a nucleotide within the consensus splice site. This variant is present in population databases (rs766142684, gnomAD 0.02%). This variant has not been reported in the literature in individuals affected with ACBD5-related conditions. ClinVar contains an entry for this variant (Variation ID: 863444). Variants that disrupt the consensus splice site are a relatively common cause of aberrant splicing (PMID: 17576681, 9536098). Algorithms developed to predict the effect of sequence changes on RNA splicing suggest that this variant may disrupt the consensus splice site. In summary, the available evidence is currently insufficient to determine the role of this variant in disease. Therefore, it has been classified as a Variant of Uncertain Significance.

Literature cited by the submitters: PubMed 17576681 (cited by Labcorp Genetics (formerly Invitae), Labcorp); PubMed 9536098 (cited by Labcorp Genetics (formerly Invitae), Labcorp).